The following is an entry in ClinVar:

ClinVar aggregate classification (germline): Likely benign (1 of 4 stars; one submission).

Allele frequency attached by ClinVar (database versions not stated): gnomAD 0.00406 and 0.00426; TOPMed 0.00470; 1000 Genomes Project 0.00499; 1000 Genomes Project 30x 0.00531.
gnomAD v4.1: 612 of 152,122 alleles (0.4%); highest among the groups gnomAD compares: African/African-American, 1.3%; 3 homozygotes.

Submission:

GeneDx
Classification: Likely benign. Last evaluated: 2018-06-14. Review status: criteria provided, single submitter. Criteria: GeneDx Variant Classification (06012015). Collection method: clinical testing. Allele origin: germline. Affected: yes.
Comment: This variant is considered likely benign or benign based on one or more of the following criteria: it is a conservative change, it occurs at a poorly conserved position in the protein, it is predicted to be benign by multiple in silico algorithms, and/or has population frequency not consistent with disease.

NM_001182.5(ALDH7A1):c.650+198G>A

Gene: ALDH7A1 (aldehyde dehydrogenase 7 family member A1; minus strand). Cytogenetic location: 5q23.2.
Variant type: single nucleotide variant.
Coding change: c.650+198G>A on transcript NM_001182.5 (MANE Select); 198 bases into the intron after coding-DNA position 650, G replaced by A.
Molecular consequence: intron variant.
Genome position (GRCh38, 1-based): chr5:126,576,881, C>T on the plus strand (G>A on the coding strand, the complement: ALDH7A1 is on the minus strand). VCF-style: chr5-126576881-C-T. GRCh37 (hg19) VCF-style: chr5-125912573-C-T.
Other names: c.650+198G>A (NM_001202404.2); c.566+198G>A (NM_001201377.2).
Identifiers: ClinVar variation 677706 (VCV000677706.1), dbSNP rs571299453, ClinGen allele CA126909459.